The following is an entry in ClinVar:

NM_001177316.2(SLC34A3):c.1610G>A (p.Arg537His)

Gene: SLC34A3 (solute carrier family 34 member 3; plus strand). Cytogenetic location: 9q34.3.
Variant type: single nucleotide variant.
Coding change: c.1610G>A on transcript NM_001177316.2 (MANE Select); coding-DNA position 1610, G replaced by A.
Protein change: p.Arg537His; replaces arginine 537 with histidine.
Molecular consequence: missense variant.
Genome position (GRCh38, 1-based): chr9:137,236,226, G>A. VCF-style: chr9-137236226-G-A. GRCh37 (hg19) VCF-style: chr9-140130678-G-A.
Other names: c.1610G>A, p.Arg537His (NM_001177317.2, NM_080877.3); short protein forms R537H.
Identifiers: ClinVar variation 500128 (VCV000500128.19), dbSNP rs146757110, ClinGen allele CA5365012.

ClinVar aggregate classification (germline): Likely benign. Review status: criteria provided, multiple submitters, no conflicts (2 of 4 stars). 5 submissions from 5 submitters: Likely benign (4). 1 of the submissions does not count toward it. Last evaluated 2026-01-20.

Conditions:
SLC34A3-related disorder. Also called: SLC34A3-related condition.

Allele frequency attached by ClinVar (database versions not stated): gnomAD exomes 0.00020 and 0.00043; ExAC 0.00081; 1000 Genomes Project 0.00120; ESP Exome Variant Server 0.00162; 1000 Genomes Project 30x 0.00172; gnomAD 0.00213 and 0.00230; TOPMed 0.00244.
gnomAD v4.1: 630 of 1,562,982 alleles (0.04%); highest among the groups gnomAD compares: African/African-American, 0.71%; 2 homozygotes.

Submissions (5):

Labcorp Genetics (formerly Invitae), Labcorp
Classification: Likely benign. Last evaluated: 2026-01-20. Review status: criteria provided, single submitter. Criteria: Invitae Variant Classification Sherloc (09022015). Collection method: clinical testing. Allele origin: germline.

Women's Health and Genetics/Laboratory Corporation of America, LabCorp
Classification: Likely benign. Last evaluated: 2024-12-17. Review status: criteria provided, single submitter. Criteria: LabCorp Variant Classification Summary - May 2015. Collection method: clinical testing. Allele origin: germline.
Comment: Variant summary: SLC34A3 c.1610G>A (p.Arg537His) results in a non-conservative amino acid change in the encoded protein sequence. Four of five in-silico tools predict a benign effect of the variant on protein function. The variant allele was found at a frequency of 0.00043 in 166786 control chromosomes, predominantly at a frequency of 0.0067 within the African or African-American subpopulation in the gnomAD database. The observed variant frequency within African or African-American control individuals in the gnomAD database is approximately 3.8 fold of the estimated maximal expected allele frequency for a pathogenic variant in SLC34A3 causing Hereditary Hypophosphatemic Rickets With Hypercalciuria phenotype (0.0018). To our knowledge, no occurrence of c.1610G>A in individuals affected with Hereditary Hypophosphatemic Rickets With Hypercalciuria and no experimental evidence demonstrating its impact on protein function have been reported. ClinVar contains an entry for this variant (Variation ID: 500128). Based on the evidence outlined above, the variant was classified as likely benign.

Eurofins Ntd Llc (ga)
Classification: Likely benign. Last evaluated: 2017-02-07. Review status: criteria provided, single submitter. Criteria: EGL Classification Definitions 2015. Collection method: clinical testing. Allele origin: germline. Observed: 1 variant allele, 1 heterozygote.

Breakthrough Genomics
Classification: Likely benign. Review status: criteria provided, single submitter. Criteria: ACMG Guidelines, 2015. Collection method: not provided. Allele origin: germline. Inheritance: Autosomal recessive inheritance. Affected: yes.

PreventionGenetics, part of Exact Sciences
Classification: Likely benign for SLC34A3-related condition. Last evaluated: 2021-01-11. Review status: no assertion criteria provided. Collection method: clinical testing. Allele origin: germline. Not counted in ClinVar's aggregate classification.
Comment: This variant is classified as likely benign based on ACMG/AMP sequence variant interpretation guidelines (Richards et al. 2015 PMID: 25741868, with internal and published modifications).